The following is an entry in ClinVar:

NM_016013.4(NDUFAF1):c.249T>A (p.Asp83Glu)

Gene: NDUFAF1 (NADH:ubiquinone oxidoreductase complex assembly factor 1; minus strand). Cytogenetic location: 15q15.1.
Variant type: single nucleotide variant.
Coding change: c.249T>A on transcript NM_016013.4 (MANE Select); coding-DNA position 249, T replaced by A.
Protein change: p.Asp83Glu; replaces aspartic acid 83 with glutamic acid.
Molecular consequence: missense variant. On other transcripts: non-coding transcript variant (1).
Genome position (GRCh38, 1-based): chr15:41,396,811, A>T on the plus strand (T>A on the coding strand, the complement: NDUFAF1 is on the minus strand). VCF-style: chr15-41396811-A-T. GRCh37 (hg19) VCF-style: chr15-41689009-A-T.
Other names: p.D83E:GAT>GAA; short protein forms D83E.
Identifiers: ClinVar variation 214730 (VCV000214730.14), dbSNP rs146540015, ClinGen allele CA323005.
Genomic context (GRCh38, chr15:41,396,811, plus strand): 5'-ATCCACAATTTCATCCTTCAAAAGCCTAAAATGGTATATTGCTTCATCTCTAATTGCTTT[A>T]TCGAAACTAACATCAGGCTTCTCCTCAGAAGAAGTTATATCCAAAGCAACTTCTTTCTGG-3'
Protein context (NP_057097.2, residues 73-93): SSEEKPDVSF[Asp83Glu]KAIRDEAIYH

ClinVar aggregate classification (germline): Uncertain significance. Review status: criteria provided, multiple submitters, no conflicts (2 of 4 stars). 5 submissions from 5 submitters: Uncertain significance (5). Last evaluated 2025-09-08.

Conditions:
Mitochondrial complex I deficiency, nuclear type 1. Also called: NADH-COENZYME Q REDUCTASE DEFICIENCY; MITOCHONDRIAL NADH DEHYDROGENASE COMPONENT OF COMPLEX I, DEFICIENCY OF. Identifiers: MedGen C6022305, MONDO:0100224, OMIM 252010.

Allele frequency attached by ClinVar (database versions not stated): gnomAD 0.00015 and 0.00016; TOPMed 0.00015; gnomAD exomes 0.00025 and 0.00040; ESP Exome Variant Server 0.00031; ExAC 0.00032.
gnomAD v4.1: 614 of 1,614,080 alleles (0.038%); highest among the groups gnomAD compares: Non-Finnish European, 0.047%; 1 homozygote.

Submissions (5):

Labcorp Genetics (formerly Invitae), Labcorp
Classification: Uncertain significance. Last evaluated: 2025-09-08. Review status: criteria provided, single submitter. Criteria: Invitae Variant Classification Sherloc (09022015). Collection method: clinical testing. Allele origin: germline.
Comment: This sequence change replaces aspartic acid, which is acidic and polar, with glutamic acid, which is acidic and polar, at codon 83 of the NDUFAF1 protein (p.Asp83Glu). This variant is present in population databases (rs146540015, gnomAD 0.03%). This variant has not been reported in the literature in individuals affected with NDUFAF1-related conditions. ClinVar contains an entry for this variant (Variation ID: 214730). Invitae Evidence Modeling of protein sequence and biophysical properties (such as structural, functional, and spatial information, amino acid conservation, physicochemical variation, residue mobility, and thermodynamic stability) indicates that this missense variant is not expected to disrupt NDUFAF1 protein function with a negative predictive value of 80%. In summary, the available evidence is currently insufficient to determine the role of this variant in disease. Therefore, it has been classified as a Variant of Uncertain Significance.

Ambry Genetics
Classification: Uncertain significance. Last evaluated: 2024-11-15. Review status: criteria provided, single submitter. Criteria: Ambry Variant Classification Scheme 2023. Collection method: clinical testing. Allele origin: germline.

GeneDx
Classification: Uncertain significance. Last evaluated: 2018-06-04. Review status: criteria provided, single submitter. Criteria: GeneDx Variant Classification (06012015). Collection method: clinical testing. Allele origin: germline. Affected: yes.
Comment: The variant is found in MITONUC-MITOP panel(s).

Illumina Laboratory Services, Illumina
Classification: Uncertain significance for Mitochondrial complex I deficiency, nuclear type 1. Last evaluated: 2018-01-12. Review status: criteria provided, single submitter. Criteria: ICSL Variant Classification Criteria 13 December 2019. Collection method: clinical testing. Allele origin: germline.

Breakthrough Genomics
Classification: Uncertain significance. Review status: criteria provided, single submitter. Criteria: ACMG Guidelines, 2015. Collection method: not provided. Allele origin: germline. Inheritance: Autosomal recessive inheritance. Affected: yes.